The following is an entry in ClinVar:

NM_000091.5(COL4A3):c.4673T>C (p.Ile1558Thr)

Genes: COL4A3 (collagen type IV alpha 3 chain; plus strand), MFF-DT (MFF divergent transcript; minus strand). Cytogenetic location: 2q36.3.
Variant type: single nucleotide variant.
Coding change: c.4673T>C on transcript NM_000091.5 (MANE Select); coding-DNA position 4673, T replaced by C.
Protein change: p.Ile1558Thr; replaces isoleucine 1558 with threonine.
Molecular consequence: missense variant.
Genome position (GRCh38, 1-based): chr2:227,309,236, T>C. VCF-style: chr2-227309236-T-C. GRCh37 (hg19) VCF-style: chr2-228173952-T-C.
Other names: short protein forms I1558T.
Identifiers: ClinVar variation 930146 (VCV000930146.4), dbSNP rs2073643599, ClinGen allele CA350865555.

ClinVar aggregate classification (germline): Uncertain significance (1 of 4 stars; one submission).

Allele frequency attached by ClinVar (database versions not stated): gnomAD exomes below 0.00001.
gnomAD v4.1: 1 of 1,614,198 alleles (0.000062%); highest among the groups gnomAD compares: Non-Finnish European, 0.000085%; no homozygotes.

Submission:

Laboratory for Molecular Medicine, Mass General Brigham Personalized Medicine
Classification: Uncertain significance. Last evaluated: 2019-09-17. Review status: criteria provided, single submitter. Criteria: LMM Criteria. Collection method: clinical testing. Allele origin: germline. Observed: 1 variant allele.
Comment: The p.Ile1558Thr variant in COL4A3 has not been previously reported in individuals with Alport syndrome and was absent from large population studies. Computational prediction tools and conservation analyses do not provide strong support for or against an impact to the protein. In summary, the clinical significance of this variant is uncertain. ACMG/AMP Criteria applied: PM2.